The following is an entry in ClinVar:

NM_005076.5(CNTN2):c.2336G>A (p.Arg779Gln)

Gene: CNTN2 (contactin 2; plus strand). Cytogenetic location: 1q32.1.
Variant type: single nucleotide variant.
Coding change: c.2336G>A on transcript NM_005076.5 (MANE Select); coding-DNA position 2336, G replaced by A.
Protein change: p.Arg779Gln; replaces arginine 779 with glutamine.
Molecular consequence: missense variant. On other transcripts: non-coding transcript variant (1).
Genome position (GRCh38, 1-based): chr1:205,069,966, G>A. VCF-style: chr1-205069966-G-A. GRCh37 (hg19) VCF-style: chr1-205039094-G-A.
Other names: c.2336G>A, p.Arg779Gln (NM_001346083.2); short protein forms R779Q.
Identifiers: ClinVar variation 1428015 (VCV001428015.8), dbSNP rs2151198576, ClinGen allele CA344378992.

ClinVar aggregate classification (germline): Uncertain significance (1 of 4 stars; one submission).

Conditions:
Epilepsy, familial adult myoclonic, 5 (EPEO5). Also called: CORTICAL MYOCLONIC TREMOR WITH EPILEPSY, FAMILIAL, 5. Identifiers: Orphanet 86814, MedGen C3809374, MONDO:0014167, OMIM 615400.

Submission:

Labcorp Genetics (formerly Invitae), Labcorp
Classification: Uncertain significance for Epilepsy, familial adult myoclonic, 5. Last evaluated: 2024-02-24. Review status: criteria provided, single submitter. Criteria: Invitae Variant Classification Sherloc (09022015). Collection method: clinical testing. Allele origin: germline.
Comment: This sequence change replaces arginine, which is basic and polar, with glutamine, which is neutral and polar, at codon 779 of the CNTN2 protein (p.Arg779Gln). This variant is not present in population databases (gnomAD no frequency). This variant has not been reported in the literature in individuals affected with CNTN2-related conditions. ClinVar contains an entry for this variant (Variation ID: 1428015). Advanced modeling of protein sequence and biophysical properties (such as structural, functional, and spatial information, amino acid conservation, physicochemical variation, residue mobility, and thermodynamic stability) performed at Invitae indicates that this missense variant is not expected to disrupt CNTN2 protein function with a negative predictive value of 95%. In summary, the available evidence is currently insufficient to determine the role of this variant in disease. Therefore, it has been classified as a Variant of Uncertain Significance.